The following is an entry in ClinVar:

ClinVar aggregate classification (germline): Pathogenic. Review status: criteria provided, multiple submitters, no conflicts (2 of 4 stars). 2 submissions from 2 submitters: Pathogenic (2). Last evaluated 2023-09-12.

Conditions:
Familial cancer of breast. Also called: BREAST CANCER, FAMILIAL; Hereditary breast cancer; hereditary breast carcinoma. Identifiers: Orphanet 227535, MedGen C0346153, MONDO:0016419, OMIM 114480. Disease mechanism: loss of function.
Hereditary cancer-predisposing syndrome. Also called: Neoplastic Syndromes, Hereditary; Tumor predisposition; Hereditary Cancer Syndrome; Hereditary neoplastic syndrome. Identifiers: Orphanet 140162, MedGen C0027672, MeSH D009386, MONDO:0015356.

Submissions (2):

Myriad Genetics, Inc.
Classification: Pathogenic for Familial cancer of breast. Last evaluated: 2023-09-12. Review status: criteria provided, single submitter. Criteria: Myriad Autosomal Dominant, Autosomal Recessive and X-Linked Classification Criteria (2023). Collection method: clinical testing. Allele origin: unknown.
Comment: This variant is considered pathogenic. This variant creates a termination codon and is predicted to result in premature protein truncation.

Ambry Genetics
Classification: Pathogenic for Hereditary cancer-predisposing syndrome. Last evaluated: 2019-06-26. Review status: criteria provided, single submitter. Criteria: Ambry Variant Classification Scheme 2023. Collection method: clinical testing. Allele origin: germline.
Comment: The p.E639* pathogenic mutation (also known as c.1915G>T), located in coding exon 5 of the PALB2 gene, results from a G to T substitution at nucleotide position 1915. This changes the amino acid from a glutamic acid to a stop codon within coding exon 5. This alteration is expected to result in loss of function by premature protein truncation or nonsense-mediated mRNA decay. As such, this alteration is interpreted as a disease-causing mutation.

NM_024675.4(PALB2):c.1915G>T (p.Glu639Ter)

Gene: PALB2 (partner and localizer of BRCA2; minus strand). Cytogenetic location: 16p12.2.
Variant type: single nucleotide variant.
Coding change: c.1915G>T on transcript NM_024675.4 (MANE Select); coding-DNA position 1915, G replaced by T.
Protein change: p.Glu639Ter; replaces glutamic acid 639 with a stop codon.
Molecular consequence: nonsense.
Genome position (GRCh38, 1-based): chr16:23,630,239, C>A on the plus strand (G>T on the coding strand, the complement: PALB2 is on the minus strand). VCF-style: chr16-23630239-C-A. GRCh37 (hg19) VCF-style: chr16-23641560-C-A.
Other names: short protein forms E639*.
Identifiers: ClinVar variation 820334 (VCV000820334.5), dbSNP rs1555460592, ClinGen allele CA395127528.